The following is an entry in ClinVar:

ClinVar aggregate classification (germline): Uncertain significance (1 of 4 stars; one submission).

Conditions:
Infantile spasms. Also called: Infantile spasm. Identifiers: MedGen C3887898, HP:0012469.

Allele frequency attached by ClinVar (database versions not stated): gnomAD exomes 0.00001.
gnomAD v4.1: 7 of 1,613,854 alleles (0.00043%); highest among the groups gnomAD compares: Non-Finnish European, 0.00059%; no homozygotes.

Submission:

Labcorp Genetics (formerly Invitae), Labcorp
Classification: Uncertain significance for Infantile spasms. Last evaluated: 2023-01-02. Review status: criteria provided, single submitter. Criteria: Invitae Variant Classification Sherloc (09022015). Collection method: clinical testing. Allele origin: germline.
Comment: Algorithms developed to predict the effect of missense changes on protein structure and function (SIFT, PolyPhen-2, Align-GVGD) all suggest that this variant is likely to be tolerated. In summary, the available evidence is currently insufficient to determine the role of this variant in disease. Therefore, it has been classified as a Variant of Uncertain Significance. This variant has not been reported in the literature in individuals affected with PIK3AP1-related conditions. This variant is present in population databases (no rsID available, gnomAD 0.0009%). This sequence change replaces histidine, which is basic and polar, with arginine, which is basic and polar, at codon 78 of the PIK3AP1 protein (p.His78Arg).

NM_152309.3(PIK3AP1):c.233A>G (p.His78Arg)

Gene: PIK3AP1 (phosphoinositide-3-kinase adaptor protein 1; minus strand). Cytogenetic location: 10q24.1.
Variant type: single nucleotide variant.
Coding change: c.233A>G on transcript NM_152309.3 (MANE Select); coding-DNA position 233, A replaced by G.
Protein change: p.His78Arg; replaces histidine 78 with arginine.
Molecular consequence: missense variant.
Genome position (GRCh38, 1-based): chr10:96,709,764, T>C on the plus strand (A>G on the coding strand, the complement: PIK3AP1 is on the minus strand). VCF-style: chr10-96709764-T-C. GRCh37 (hg19) VCF-style: chr10-98469521-T-C.
Other names: short protein forms H78R.
Identifiers: ClinVar variation 2962798 (VCV002962798.3), dbSNP rs1376938243, ClinGen allele CA377759742.